The following is an entry in ClinVar:

NM_000038.6(APC):c.2300A>G (p.Gln767Arg)

Gene: APC (APC regulator of Wnt signaling pathway; plus strand). Cytogenetic location: 5q22.2.
Variant type: single nucleotide variant.
Coding change: c.2300A>G on transcript NM_000038.6 (MANE Select); coding-DNA position 2300, A replaced by G.
Protein change: p.Gln767Arg; replaces glutamine 767 with arginine.
Molecular consequence: missense variant.
Genome position (GRCh38, 1-based): chr5:112,837,894, A>G. VCF-style: chr5-112837894-A-G. GRCh37 (hg19) VCF-style: chr5-112173591-A-G.
Other names: c.2300A>G, p.Gln767Arg (NM_001127510.3, NM_001354895.2); c.2246A>G, p.Gln749Arg (NM_001127511.3); c.2354A>G, p.Gln785Arg (NM_001354896.2); c.2330A>G, p.Gln777Arg (NM_001354897.2); c.2225A>G, p.Gln742Arg (NM_001354898.2); c.2216A>G, p.Gln739Arg (NM_001354899.2); c.2177A>G, p.Gln726Arg (NM_001354900.2); c.2123A>G, p.Gln708Arg (NM_001354901.2); and 5 more; short protein forms Q767R, Q749R, Q607R, Q676R, Q742R, Q785R, Q484R, Q708R.
Identifiers: ClinVar variation 486743 (VCV000486743.21), dbSNP rs1554084064, ClinGen allele CA16026372.

ClinVar aggregate classification (germline): Uncertain significance. Review status: criteria provided, multiple submitters, no conflicts (2 of 4 stars). 4 submissions from 4 submitters: Uncertain significance (4). Last evaluated 2025-09-01.

Conditions:
Classic or attenuated familial adenomatous polyposis. Identifiers: MedGen CN372698, MONDO:0021057.
Familial adenomatous polyposis 1 (FAP1). Also called: FAMILIAL ADENOMATOUS POLYPOSIS 1, ATTENUATED; POLYPOSIS, ADENOMATOUS INTESTINAL. Identifiers: MedGen C2713442, MONDO:0021056, OMIM 175100. Disease mechanism: loss of function.
Hereditary cancer-predisposing syndrome. Also called: Tumor predisposition; Hereditary Cancer Syndrome; Hereditary neoplastic syndrome; Neoplastic Syndromes, Hereditary. Identifiers: Orphanet 140162, MedGen C0027672, MeSH D009386, MONDO:0015356.

gnomAD v4.1: 2 of 1,614,168 alleles (0.00012%); highest among the groups gnomAD compares: Non-Finnish European, 0.00017%; no homozygotes.

Submissions (4):

Labcorp Genetics (formerly Invitae), Labcorp
Classification: Uncertain significance for Familial adenomatous polyposis 1. Last evaluated: 2025-09-01. Review status: criteria provided, single submitter. Criteria: Invitae Variant Classification Sherloc (09022015). Collection method: clinical testing. Allele origin: germline.
Comment: This sequence change replaces glutamine, which is neutral and polar, with arginine, which is basic and polar, at codon 767 of the APC protein (p.Gln767Arg). This variant is not present in population databases (gnomAD no frequency). This variant has not been reported in the literature in individuals affected with APC-related conditions. ClinVar contains an entry for this variant (Variation ID: 486743). Invitae Evidence Modeling of protein sequence and biophysical properties (such as structural, functional, and spatial information, amino acid conservation, physicochemical variation, residue mobility, and thermodynamic stability) indicates that this missense variant is not expected to disrupt APC protein function with a negative predictive value of 95%. In summary, the available evidence is currently insufficient to determine the role of this variant in disease. Therefore, it has been classified as a Variant of Uncertain Significance.

Ambry Genetics
Classification: Uncertain significance for Hereditary cancer-predisposing syndrome. Last evaluated: 2025-03-14. Review status: criteria provided, single submitter. Criteria: Ambry Variant Classification Scheme 2023. Collection method: clinical testing. Allele origin: germline.
Comment: The p.Q767R variant (also known as c.2300A>G), located in coding exon 15 of the APC gene, results from an A to G substitution at nucleotide position 2300. The glutamine at codon 767 is replaced by arginine, an amino acid with highly similar properties. This amino acid position is highly conserved in available vertebrate species. In addition, in silico predictors for this gene do not accurately predict pathogenicity. Missense alterations in APC are not a common cause of disease (Spier I et al. Genet Med. 2024 Feb;26(2):100992). Based on the available evidence, the clinical significance of this variant remains unclear.

All of Us Research Program, National Institutes of Health
Classification: Uncertain significance for Classic or attenuated familial adenomatous polyposis. Last evaluated: 2023-11-02. Review status: criteria provided, single submitter. Criteria: ACMG Guidelines, 2015. Collection method: clinical testing. Allele origin: germline. Inheritance: Autosomal dominant inheritance. Observed: 1 variant allele, 1 heterozygote.
Comment: This missense variant replaces glutamine with arginine at codon 767 of the APC protein. Computational prediction suggests that this variant may not impact protein structure and function (internally defined REVEL score threshold <= 0.5, PMID: 27666373). To our knowledge, functional studies have not been reported for this variant. This variant has not been reported in individuals affected with APC-related disorders in the literature. This variant has not been identified in the general population by the Genome Aggregation Database (gnomAD). The available evidence is insufficient to determine the role of this variant in disease conclusively. Therefore, this variant is classified as a Variant of Uncertain Significance.

This study involves interpretation of variants in research participants for the purpose of population health screening. Participant phenotype was not available at the time of variant classification. Additional details can be found in publication PMID: 35346344, PMCID: PMC8962531

GeneDx
Classification: Uncertain significance. Last evaluated: 2020-04-27. Review status: criteria provided, single submitter. Criteria: GeneDx Variant Classification Process June 2021. Collection method: clinical testing. Allele origin: germline. Affected: yes.
Comment: Not observed in large population cohorts (Lek 2016); In silico analysis supports that this missense variant does not alter protein structure/function; Has not been previously published as pathogenic or benign to our knowledge